The following is an entry in ClinVar:

NM_018979.4(WNK1):c.5568G>A (p.Lys1856=)

Gene: WNK1 (WNK lysine deficient protein kinase 1; plus strand). Cytogenetic location: 12p13.33.
Variant type: single nucleotide variant.
Coding change: c.5568G>A on transcript NM_018979.4 (MANE Select); coding-DNA position 5568, G replaced by A.
Protein change: p.Lys1856=; no amino-acid change (lysine 1856 retained).
Molecular consequence: synonymous variant.
Genome position (GRCh38, 1-based): chr12:894,620, G>A. VCF-style: chr12-894620-G-A. GRCh37 (hg19) VCF-style: chr12-1003786-G-A.
Other names: c.6348G>A, p.Lys2116= (NM_001184985.2); c.4824G>A, p.Lys1608= (NM_014823.3); c.6324G>A, p.Lys2108= (NM_213655.5); c.5568G>A (NM_018979.3).
Identifiers: ClinVar variation 2931420 (VCV002931420.4), dbSNP rs1954577889, ClinGen allele CA477852010.
Genomic context (GRCh38, chr12:894,620, plus strand): 5'-AGTTTCTCAAGTCAAAGAAGGCCCTGTCCTAGCAACTAGTTCAGGAGCTGGTGTTTTTAA[G>A]ATGGGACGATTTCAGGTAAGACAGTCACTTTGTGTTGCCTTGATTCCTTCCTTTGGAGGA-3'
Protein context (NP_061852.3, residues 1846-1866): LATSSGAGVF[Lys1856=]MGRFQVSVAA

ClinVar aggregate classification (germline): Likely benign. Review status: criteria provided, multiple submitters, no conflicts (2 of 4 stars). 2 submissions from 2 submitters: Likely benign (2). Last evaluated 2026-06-17.

Conditions:
WNK1-related disorder. Also called: WNK1-related condition.
Neuropathy, hereditary sensory and autonomic, type 2A (HSAN2A). Also called: HSAN IIA; WNK1-Related HSAN2 (HSAN2A); MORVAN DISEASE; NEUROPATHY, CONGENITAL SENSORY; NEUROPATHY, HEREDITARY SENSORY RADICULAR, AUTOSOMAL RECESSIVE; NEUROPATHY, HEREDITARY SENSORY, TYPE IIA. Identifiers: Orphanet 970, MedGen C2752089, MONDO:0024309, OMIM 201300.
Pseudohypoaldosteronism type 2C (PHA2C). Also called: Pseudohypoaldosteronism Type IIC. Identifiers: Orphanet 757, Orphanet 88940, MedGen C1840391, MONDO:0013778, OMIM 614492.

Allele frequency attached by ClinVar (database versions not stated): gnomAD 0.00001; gnomAD exomes 0.00001; TOPMed 0.00001.
gnomAD v4.1: 7 of 1,613,898 alleles (0.00043%); highest among the groups gnomAD compares: Non-Finnish European, 0.00059%; no homozygotes.

Submissions (2):

PreventionGenetics, part of Exact Sciences
Classification: Likely benign for WNK1-related condition. Last evaluated: 2026-06-17. Review status: criteria provided, single submitter. Criteria: ACMG Guidelines, 2015. Collection method: clinical testing. Allele origin: germline.
Comment: This variant is classified as likely benign based on ACMG/AMP sequence variant interpretation guidelines (Richards et al. 2015 PMID: 25741868, with internal and published modifications).

Labcorp Genetics (formerly Invitae), Labcorp
Classification: Likely benign for Neuropathy, hereditary sensory and autonomic, type 2A; Pseudohypoaldosteronism type 2C. Last evaluated: 2026-01-19. Review status: criteria provided, single submitter. Criteria: Invitae Variant Classification Sherloc (09022015). Collection method: clinical testing. Allele origin: germline.